The following is an entry in ClinVar:

ClinVar aggregate classification (germline): Pathogenic (1 of 4 stars; one submission).

Conditions:
Hereditary breast ovarian cancer syndrome. Also called: Hereditary breast and ovarian cancer syndrome; Hereditary breast and/or ovarian cancer syndrome; Hereditary breast and ovarian cancer syndrome (HBOC); Hereditary breast and ovarian cancer; Breast and ovarian cancer; BRCA1- and BRCA2-Associated Hereditary Breast and Ovarian Cancer. Identifiers: Orphanet 145, MedGen C0677776, MeSH D061325, MONDO:0003582. Disease mechanism: loss of function.

Submission:

Women's Health and Genetics/Laboratory Corporation of America, LabCorp
Classification: Pathogenic for Hereditary breast ovarian cancer syndrome. Last evaluated: 2025-03-06. Review status: criteria provided, single submitter. Criteria: LabCorp Variant Classification Summary - May 2015. Collection method: clinical testing. Allele origin: germline.
Comment: Variant summary: The variant, c.(4986+1_4987-1)_(5074+1_5075-1)del, identified by MLPA or other technology involves the deletion of exon 16 (legacy name exon 17) in the BRCA1 gene. A presumed nomenclature of c.(4986+1_4987-1)_(5074+1_5075-1)del has been designated for the purposes of this classification, although exact breakpoints of this deletion are not known. This variant is predicted to result in frameshift. This variant is absent in about 21446 control alleles (gnomAD SVs database). The variant, c.(4986+1_4987-1)_(5074+1_5075-1)del, depicted as Exon 17 del in publications has been reported in the literature in multiple individuals affected with Hereditary Breast and Ovarian Cancer (Hartmann_2004, Engert_2008, Teixeira_2018). Authors indicated the variant to be a German founder mutation. ClinVar contains an entry for this variant (Variation ID: 266506). Based on the evidence outlined above, the variant was classified as pathogenic.

Literature cited by the submitters: PubMed 18431737; PubMed 15532023; PubMed 29483665.

NC_000017.11:g.(43063952_43067607)_(43067696_43070927)del

Gene: BRCA1 (BRCA1 DNA repair associated; minus strand). Cytogenetic location: 17q21.31.
Variant type: Deletion.
Identifiers: ClinVar variation 981997 (VCV000981997.2).